The following is an entry in ClinVar:

ClinVar aggregate classification (germline): Uncertain significance (1 of 4 stars; one submission).

Conditions:
Hereditary diffuse gastric adenocarcinoma (HDGC). Also called: DIFFUSE GASTRIC AND LOBULAR BREAST CANCER SYNDROME. Identifiers: Orphanet 26106, MedGen C1708349, MONDO:0007648, OMIM 137215.

Submission:

Labcorp Genetics (formerly Invitae), Labcorp
Classification: Uncertain significance for Hereditary diffuse gastric adenocarcinoma. Last evaluated: 2022-11-01. Review status: criteria provided, single submitter. Criteria: Invitae Variant Classification Sherloc (09022015). Collection method: clinical testing. Allele origin: germline.
Comment: In summary, the available evidence is currently insufficient to determine the role of this variant in disease. Therefore, it has been classified as a Variant of Uncertain Significance. Algorithms developed to predict the effect of missense changes on protein structure and function (SIFT, PolyPhen-2, Align-GVGD) all suggest that this variant is likely to be disruptive. This sequence change replaces lysine, which is basic and polar, with asparagine, which is neutral and polar, at codon 153 of the CDH1 protein (p.Lys153Asn). This variant is not present in population databases (gnomAD no frequency). This variant has not been reported in the literature in individuals affected with CDH1-related conditions.

NM_004360.5(CDH1):c.459G>C (p.Lys153Asn)

Gene: CDH1 (cadherin 1; plus strand). Cytogenetic location: 16q22.1.
Variant type: single nucleotide variant.
Coding change: c.459G>C on transcript NM_004360.5 (MANE Select); coding-DNA position 459, G replaced by C.
Protein change: p.Lys153Asn; replaces lysine 153 with asparagine.
Molecular consequence: missense variant. On other transcripts: 5 prime UTR variant (2).
Genome position (GRCh38, 1-based): chr16:68,808,495, G>C. VCF-style: chr16-68808495-G-C. GRCh37 (hg19) VCF-style: chr16-68842398-G-C.
Other names: c.459G>C, p.Lys153Asn (NM_001317184.2); c.-1157G>C (NM_001317185.2); c.-1361G>C (NM_001317186.2); short protein forms K153N.
Identifiers: ClinVar variation 2811137 (VCV002811137.3), dbSNP rs2152129712, ClinGen allele CA396457660.